The following is an entry in ClinVar:

ClinVar aggregate classification (germline): Uncertain significance (1 of 4 stars; one submission).

Conditions:
Inborn genetic diseases. Identifiers: MedGen C0950123, MeSH D030342.

gnomAD v4.1: 20 of 1,614,228 alleles (0.0012%); highest among the groups gnomAD compares: Non-Finnish European, 0.0017%; no homozygotes.

Submission:

Ambry Genetics
Classification: Uncertain significance for Inborn genetic diseases. Last evaluated: 2025-07-13. Review status: criteria provided, single submitter. Criteria: Ambry Variant Classification Scheme 2023. Collection method: clinical testing. Allele origin: germline.
Comment: The p.H1144R variant (also known as c.3431A>G), located in coding exon 13 of the ASXL1 gene, results from an A to G substitution at nucleotide position 3431. The histidine at codon 1144 is replaced by arginine, an amino acid with highly similar properties. This amino acid position is conserved. In addition, this alteration is predicted to be tolerated by in silico analysis. Based on the available evidence, the clinical significance of this variant remains unclear.

NM_015338.6(ASXL1):c.3431A>G (p.His1144Arg)

Gene: ASXL1 (ASXL transcriptional regulator 1; plus strand). Cytogenetic location: 20q11.21.
Variant type: single nucleotide variant.
Coding change: c.3431A>G on transcript NM_015338.6 (MANE Select); coding-DNA position 3431, A replaced by G.
Protein change: p.His1144Arg; replaces histidine 1144 with arginine.
Molecular consequence: missense variant.
Genome position (GRCh38, 1-based): chr20:32,436,143, A>G. VCF-style: chr20-32436143-A-G. GRCh37 (hg19) VCF-style: chr20-31023946-A-G.
Other names: c.3248A>G, p.His1083Arg (NM_001363734.1); short protein forms H1144R, H1083R.
Identifiers: ClinVar variation 4158225 (VCV004158225.1).
Genomic context (GRCh38, chr20:32,436,143, plus strand): 5'-CAGCCCACGATGACAGCATGTCAGAATCCCCACAAGTACCACTTACAAAAGACCAGAGCC[A>G]TGGCTCGCTACGCATGGGATCTTTACATGGTCTTGGAAAAAACAGTGGCATGGTTGATGG-3'
Protein context (NP_056153.2, residues 1134-1154): PQVPLTKDQS[His1144Arg]GSLRMGSLHG